The following is an entry in ClinVar:

ClinVar aggregate classification (germline): Uncertain significance (1 of 4 stars; one submission).

Conditions:
Hereditary cancer-predisposing syndrome. Also called: Tumor predisposition; Neoplastic Syndromes, Hereditary; Hereditary neoplastic syndrome; Hereditary Cancer Syndrome. Identifiers: Orphanet 140162, MedGen C0027672, MeSH D009386, MONDO:0015356.

Submission:

Ambry Genetics
Classification: Uncertain significance for Hereditary cancer-predisposing syndrome. Last evaluated: 2024-11-19. Review status: criteria provided, single submitter. Criteria: Ambry Variant Classification Scheme 2023. Collection method: clinical testing. Allele origin: germline.
Comment: The p.S469C variant (also known as c.1405A>T), located in coding exon 13 of the BAP1 gene, results from an A to T substitution at nucleotide position 1405. The serine at codon 469 is replaced by cysteine, an amino acid with dissimilar properties. This amino acid position is conserved. In addition, this alteration is predicted to be tolerated by in silico analysis. Based on the available evidence, the clinical significance of this variant remains unclear.

NM_004656.4(BAP1):c.1405A>T (p.Ser469Cys)

Gene: BAP1 (BRCA1 associated deubiquitinase 1; minus strand). Cytogenetic location: 3p21.1.
Variant type: single nucleotide variant.
Coding change: c.1405A>T on transcript NM_004656.4 (MANE Select); coding-DNA position 1405, A replaced by T.
Protein change: p.Ser469Cys; replaces serine 469 with cysteine.
Molecular consequence: missense variant.
Genome position (GRCh38, 1-based): chr3:52,403,740, T>A on the plus strand (A>T on the coding strand, the complement: BAP1 is on the minus strand). VCF-style: chr3-52403740-T-A. GRCh37 (hg19) VCF-style: chr3-52437756-T-A.
Other names: c.1351A>T, p.Ser451Cys (NM_001410772.1); short protein forms S451C, S469C.
Identifiers: ClinVar variation 3476607 (VCV003476607.1).